The following is an entry in ClinVar:

NM_018706.7(DHTKD1):c.2377G>A (p.Gly793Ser)

Gene: DHTKD1 (dehydrogenase E1 and transketolase domain containing 1; plus strand). Cytogenetic location: 10p14.
Variant type: single nucleotide variant.
Coding change: c.2377G>A on transcript NM_018706.7 (MANE Select); coding-DNA position 2377, G replaced by A.
Protein change: p.Gly793Ser; replaces glycine 793 with serine.
Molecular consequence: missense variant.
Genome position (GRCh38, 1-based): chr10:12,117,730, G>A. VCF-style: chr10-12117730-G-A. GRCh37 (hg19) VCF-style: chr10-12159729-G-A.
Other names: p.Gly793Ser; short protein forms G793S.
Identifiers: ClinVar variation 1694023 (VCV001694023.9), dbSNP rs376837792, ClinGen allele CA5408237.

ClinVar aggregate classification (germline): Uncertain significance. Review status: criteria provided, multiple submitters, no conflicts (2 of 4 stars). 2 submissions from 2 submitters: Uncertain significance (2). Last evaluated 2025-07-23.

Conditions:
2-aminoadipic 2-oxoadipic aciduria (AAKAD). Also called: Aminoadipic aciduria; ALPHA-AMINOADIPIC AND ALPHA-KETOADIPIC ACIDURIA. Identifiers: Orphanet 79154, MedGen C1859817, MONDO:0008774, OMIM 204750.

Allele frequency attached by ClinVar (database versions not stated): gnomAD exomes 0.00001 and 0.00002; ExAC 0.00002; ESP Exome Variant Server 0.00008.

Submissions (2):

Labcorp Genetics (formerly Invitae), Labcorp
Classification: Uncertain significance for 2-aminoadipic 2-oxoadipic aciduria. Last evaluated: 2025-07-23. Review status: criteria provided, single submitter. Criteria: Invitae Variant Classification Sherloc (09022015). Collection method: clinical testing. Allele origin: germline.
Comment: This sequence change replaces glycine, which is neutral and non-polar, with serine, which is neutral and polar, at codon 793 of the DHTKD1 protein (p.Gly793Ser). This variant is present in population databases (rs376837792, gnomAD 0.005%). This variant has not been reported in the literature in individuals affected with DHTKD1-related conditions. ClinVar contains an entry for this variant (Variation ID: 1694023). Invitae Evidence Modeling of protein sequence and biophysical properties (such as structural, functional, and spatial information, amino acid conservation, physicochemical variation, residue mobility, and thermodynamic stability) indicates that this missense variant is not expected to disrupt DHTKD1 protein function with a negative predictive value of 80%. In summary, the available evidence is currently insufficient to determine the role of this variant in disease. Therefore, it has been classified as a Variant of Uncertain Significance.

Mayo Clinic Laboratories, Mayo Clinic
Classification: Uncertain significance. Last evaluated: 2021-04-27. Review status: criteria provided, single submitter. Criteria: ACMG Guidelines, 2015. Collection method: clinical testing. Allele origin: germline.